The following is an entry in ClinVar:

NM_020937.4(FANCM):c.3328T>A (p.Leu1110Ile)

Gene: FANCM (FA complementation group M; plus strand). Cytogenetic location: 14q21.2.
Variant type: single nucleotide variant.
Coding change: c.3328T>A on transcript NM_020937.4 (MANE Select); coding-DNA position 3328, T replaced by A.
Protein change: p.Leu1110Ile; replaces leucine 1110 with isoleucine.
Molecular consequence: missense variant.
Genome position (GRCh38, 1-based): chr14:45,176,082, T>A. VCF-style: chr14-45176082-T-A. GRCh37 (hg19) VCF-style: chr14-45645285-T-A.
Other names: c.3250T>A, p.Leu1084Ile (NM_001308133.2); short protein forms L1084I, L1110I.
Identifiers: ClinVar variation 5021545 (VCV005021545.1).

ClinVar aggregate classification (germline): Uncertain significance (1 of 4 stars; one submission).

Conditions:
Inborn genetic diseases. Identifiers: MedGen C0950123, MeSH D030342.

Submission:

Ambry Genetics
Classification: Uncertain significance for Inborn genetic diseases. Last evaluated: 2026-09-09. Review status: criteria provided, single submitter. Criteria: Ambry Variant Classification Scheme 2023. Collection method: clinical testing. Allele origin: germline.
Comment: The p.L1110I variant (also known as c.3328T>A), located in coding exon 14 of the FANCM gene, results from a T to A substitution at nucleotide position 3328. The leucine at codon 1110 is replaced by isoleucine, an amino acid with highly similar properties. This amino acid position is conserved. In addition, this alteration is predicted to be tolerated by in silico analysis. Based on the available evidence, the clinical significance of this variant remains unclear.